The following is an entry in ClinVar:

NM_001394372.1(BICRA):c.4338C>T (p.Gly1446=)

Gene: BICRA (BRD4 interacting chromatin remodeling complex associated protein; plus strand). Cytogenetic location: 19q13.33.
Variant type: single nucleotide variant.
Coding change: c.4338C>T on transcript NM_001394372.1 (MANE Select); coding-DNA position 4338, C replaced by T.
Protein change: p.Gly1446=; no amino-acid change (glycine 1446 retained).
Molecular consequence: synonymous variant.
Genome position (GRCh38, 1-based): chr19:47,702,070, C>T. VCF-style: chr19-47702070-C-T. GRCh37 (hg19) VCF-style: chr19-48205327-C-T.
Other names: c.4338C>T, p.Gly1446= (NM_015711.3).
Identifiers: ClinVar variation 3772468 (VCV003772468.13).

ClinVar aggregate classification (germline): Likely benign (1 of 4 stars; one submission).

gnomAD v4.1: 10 of 1,510,730 alleles (0.00066%); highest among the groups gnomAD compares: Admixed American, 0.0043%; no homozygotes.

Submission:

CeGaT Center for Human Genetics Tuebingen
Classification: Likely benign. Last evaluated: 2025-02-01. Review status: criteria provided, single submitter. Criteria: CeGaT Center For Human Genetics Tuebingen Variant Classification Criteria Version 2. Collection method: clinical testing. Allele origin: germline. Affected: yes. Observed: 1 variant allele.
Comment: BICRA: BP4, BP7